The following is an entry in ClinVar:

NM_000548.5(TSC2):c.225+19G>A

Gene: TSC2 (TSC complex subunit 2; plus strand). Cytogenetic location: 16p13.3.
Variant type: single nucleotide variant.
Coding change: c.225+19G>A on transcript NM_000548.5 (MANE Select); 19 bases into the intron after coding-DNA position 225, G replaced by A.
Molecular consequence: intron variant.
Genome position (GRCh38, 1-based): chr16:2,050,505, G>A. VCF-style: chr16-2050505-G-A. GRCh37 (hg19) VCF-style: chr16-2100506-G-A.
Other names: c.225+19G>A (NM_001114382.3, NM_021055.3, NM_001370405.1 and 4 more transcripts); c.-2+19G>A (NM_001318831.2); c.78+19G>A (NM_001318829.2); c.258+19G>A (NM_001318832.2).
Identifiers: ClinVar variation 509671 (VCV000509671.8), dbSNP rs980875984, ClinGen allele CA276769513.
Genomic context (GRCh38, chr16:2,050,505, plus strand): 5'-GGGCAGATTTGTGAAGTCGCAAAAACCAAGAAATTTGAAGAGGTAGGTTTATCCAGTTGA[G>A]CTACTAGAGAGAGGCACGTAGACTATTCAGAGCCTGAGTTTGCTTTTTTTAGGAACATGG-3'

ClinVar aggregate classification (germline): Likely benign. Review status: criteria provided, multiple submitters, no conflicts (2 of 4 stars). 2 submissions from 2 submitters: Likely benign (2). Last evaluated 2025-08-18.

Conditions:
Tuberous sclerosis 2 (TSC2). Identifiers: Orphanet 805, MedGen C1860707, MONDO:0013199, OMIM 613254.

Allele frequency attached by ClinVar (database versions not stated): TOPMed 0.00002.

Submissions (2):

Labcorp Genetics (formerly Invitae), Labcorp
Classification: Likely benign for Tuberous sclerosis 2. Last evaluated: 2025-08-18. Review status: criteria provided, single submitter. Criteria: Invitae Variant Classification Sherloc (09022015). Collection method: clinical testing. Allele origin: germline.

GeneDx
Classification: Likely benign. Last evaluated: 2017-05-23. Review status: criteria provided, single submitter. Criteria: GeneDx Variant Classification (06012015). Collection method: clinical testing. Allele origin: germline. Affected: yes.
Comment: This variant is considered likely benign or benign based on one or more of the following criteria: it is a conservative change, it occurs at a poorly conserved position in the protein, it is predicted to be benign by multiple in silico algorithms, and/or has population frequency not consistent with disease.